The following is an entry in ClinVar:

ClinVar aggregate classification (germline): Likely benign. Review status: criteria provided, multiple submitters, no conflicts (2 of 4 stars). 6 submissions from 6 submitters: Likely benign (4). 2 of the submissions do not count toward it. Last evaluated 2026-01-19.

Conditions:
Inborn genetic diseases. Identifiers: MedGen C0950123, MeSH D030342.
SLC17A5-related disorder. Also called: SLC17A5-related condition; SLC17A5-related disorders.
Salla disease (SD). Also called: Sialuria, Finnish type; N-acetylneuraminic acid (NANA) storage disease (NSD); Infantile sialic acid storage disorder (ISSD); Less Severe FSASD (Salla Disease). Identifiers: Orphanet 309334, Orphanet 834, MedGen C1096903, MONDO:0011449, OMIM 604369.

Allele frequency attached by ClinVar (database versions not stated): ESP Exome Variant Server 0.00008; gnomAD 0.00024 and 0.00025; TOPMed 0.00025; gnomAD exomes 0.00027; ExAC 0.00037.
gnomAD v4.1: 521 of 1,605,236 alleles (0.032%); highest among the groups gnomAD compares: Non-Finnish European, 0.041%; no homozygotes.

Submissions (6):

Labcorp Genetics (formerly Invitae), Labcorp
Classification: Likely benign for Salla disease. Last evaluated: 2026-01-19. Review status: criteria provided, single submitter. Criteria: Invitae Variant Classification Sherloc (09022015). Collection method: clinical testing. Allele origin: germline.

Blueprint Genetics
Classification: Likely benign. Last evaluated: 2024-10-22. Review status: criteria provided, single submitter. Criteria: ACMG Guidelines, 2015. Collection method: clinical testing. Allele origin: germline.

Ambry Genetics
Classification: Likely benign for Inborn genetic diseases. Last evaluated: 2023-01-14. Review status: criteria provided, single submitter. Criteria: Ambry Variant Classification Scheme 2023. Collection method: clinical testing. Allele origin: germline.

CeGaT Center for Human Genetics Tuebingen
Classification: Likely benign. Last evaluated: 2023-01-01. Review status: criteria provided, single submitter. Criteria: CeGaT Center For Human Genetics Tuebingen Variant Classification Criteria Version 2. Collection method: clinical testing. Allele origin: germline. Affected: yes. Observed: 1 variant allele.
Comment: SLC17A5: BP4, BP7

PreventionGenetics, part of Exact Sciences
Classification: Likely benign for SLC17A5-related condition. Last evaluated: 2020-02-21. Review status: no assertion criteria provided. Collection method: clinical testing. Allele origin: germline. Not counted in ClinVar's aggregate classification.
Comment: This variant is classified as likely benign based on ACMG/AMP sequence variant interpretation guidelines (Richards et al. 2015 PMID: 25741868, with internal and published modifications).

Natera, Inc.
Classification: Uncertain significance for Salla disease. Last evaluated: 2020-02-13. Review status: no assertion criteria provided. Collection method: clinical testing. Allele origin: germline. Not counted in ClinVar's aggregate classification.

NM_012434.5(SLC17A5):c.6G>A (p.Arg2=)

Genes: SLC17A5 (solute carrier family 17 member 5; minus strand), LOC129996727 (ATAC-STARR-seq lymphoblastoid silent region 17338; plus strand). Cytogenetic location: 6q13.
Variant type: single nucleotide variant.
Coding change: c.6G>A on transcript NM_012434.5 (MANE Select); coding-DNA position 6, G replaced by A.
Protein change: p.Arg2=; no amino-acid change (arginine 2 retained).
Molecular consequence: synonymous variant.
Genome position (GRCh38, 1-based): chr6:73,653,881, C>T on the plus strand (G>A on the coding strand, the complement: SLC17A5 is on the minus strand). VCF-style: chr6-73653881-C-T. GRCh37 (hg19) VCF-style: chr6-74363604-C-T.
Identifiers: ClinVar variation 746760 (VCV000746760.38), dbSNP rs374582872, ClinGen allele CA3890634.